The following is an entry in ClinVar:

ClinVar aggregate classification (germline): Uncertain significance (1 of 4 stars; one submission).

Conditions:
Alstrom syndrome (ALMS). Identifiers: Orphanet 64, MedGen C0268425, MONDO:0008763, OMIM 203800.

Submission:

Labcorp Genetics (formerly Invitae), Labcorp
Classification: Uncertain significance for Alstrom syndrome. Last evaluated: 2022-10-13. Review status: criteria provided, single submitter. Criteria: Invitae Variant Classification Sherloc (09022015). Collection method: clinical testing. Allele origin: germline.
Comment: This sequence change replaces aspartic acid, which is acidic and polar, with asparagine, which is neutral and polar, at codon 1729 of the ALMS1 protein (p.Asp1729Asn). This variant is not present in population databases (gnomAD no frequency). This variant has not been reported in the literature in individuals affected with ALMS1-related conditions. Experimental studies and prediction algorithms are not available or were not evaluated, and the functional significance of this variant is currently unknown. In summary, the available evidence is currently insufficient to determine the role of this variant in disease. Therefore, it has been classified as a Variant of Uncertain Significance.

NM_001378454.1(ALMS1):c.5182G>A (p.Asp1728Asn)

Gene: ALMS1 (ALMS1 centrosome and basal body associated protein; plus strand). Cytogenetic location: 2p13.1.
Variant type: single nucleotide variant.
Coding change: c.5182G>A on transcript NM_001378454.1 (MANE Select); coding-DNA position 5182, G replaced by A.
Protein change: p.Asp1728Asn; replaces aspartic acid 1728 with asparagine.
Molecular consequence: missense variant.
Genome position (GRCh38, 1-based): chr2:73,451,709, G>A. VCF-style: chr2-73451709-G-A. GRCh37 (hg19) VCF-style: chr2-73678836-G-A.
Other names: c.5185G>A, p.Asp1729Asn (NM_015120.4); short protein forms D1729N, D1728N.
Identifiers: ClinVar variation 2182790 (VCV002182790.1), dbSNP rs2466104166, ClinGen allele CA347280285.